The following is an entry in ClinVar:

ClinVar aggregate classification (germline): Uncertain significance (1 of 4 stars; one submission).

Submission:

GeneDx
Classification: Uncertain significance. Last evaluated: 2023-04-18. Review status: criteria provided, single submitter. Criteria: GeneDx Variant Classification Process June 2021. Collection method: clinical testing. Allele origin: germline. Affected: yes.
Comment: Reported in an individual with hyperinsulinism; inherited from an unaffected father (De Franco et al., 2020); Not observed at significant frequency in large population cohorts (gnomAD); In silico analysis supports that this missense variant has a deleterious effect on protein structure/function; This variant is associated with the following publications: (PMID: 32027066)

NM_000525.4(KCNJ11):c.344A>T (p.His115Leu)

Gene: KCNJ11 (potassium inwardly rectifying channel subfamily J member 11; minus strand). Cytogenetic location: 11p15.1.
Variant type: single nucleotide variant.
Coding change: c.344A>T on transcript NM_000525.4 (MANE Select); coding-DNA position 344, A replaced by T.
Protein change: p.His115Leu; replaces histidine 115 with leucine.
Molecular consequence: missense variant.
Genome position (GRCh38, 1-based): chr11:17,387,748, T>A on the plus strand (A>T on the coding strand, the complement: KCNJ11 is on the minus strand). VCF-style: chr11-17387748-T-A. GRCh37 (hg19) VCF-style: chr11-17409295-T-A.
Other names: c.83A>T, p.His28Leu (NM_001166290.2, NM_001377296.1, NM_001377297.1); short protein forms H115L, H28L.
Identifiers: ClinVar variation 2663586 (VCV002663586.1), dbSNP rs374334444, ClinGen allele CA379774304.